The following is an entry in ClinVar:

NM_000038.6(APC):c.2720G>A (p.Gly907Glu)

Gene: APC (APC regulator of Wnt signaling pathway; plus strand). Cytogenetic location: 5q22.2.
Variant type: single nucleotide variant.
Coding change: c.2720G>A on transcript NM_000038.6 (MANE Select); coding-DNA position 2720, G replaced by A.
Protein change: p.Gly907Glu; replaces glycine 907 with glutamic acid.
Molecular consequence: missense variant.
Genome position (GRCh38, 1-based): chr5:112,838,314, G>A. VCF-style: chr5-112838314-G-A. GRCh37 (hg19) VCF-style: chr5-112174011-G-A.
Other names: c.2720G>A, p.Gly907Glu (NM_001127510.3, NM_001354895.2); c.2666G>A, p.Gly889Glu (NM_001127511.3); c.2774G>A, p.Gly925Glu (NM_001354896.2); c.2750G>A, p.Gly917Glu (NM_001354897.2); c.2645G>A, p.Gly882Glu (NM_001354898.2); c.2636G>A, p.Gly879Glu (NM_001354899.2); c.2597G>A, p.Gly866Glu (NM_001354900.2); c.2543G>A, p.Gly848Glu (NM_001354901.2); and 5 more; short protein forms G781E, G879E, G866E, G907E, G925E, G747E, G816E, G882E.
Identifiers: ClinVar variation 821713 (VCV000821713.17), dbSNP rs1370667212, ClinGen allele CA16027267.
Genomic context (GRCh38, chr5:112,838,314, plus strand): 5'-TTGCCAAAGTCATGGAAGAAGTGTCAGCCATTCATACCTCTCAGGAAGACAGAAGTTCTG[G>A]GTCTACCACTGAATTACATTGTGTGACAGATGAGAGAAATGCACTTAGAAGAAGCTCTGC-3'
Protein context (NP_000029.2, residues 897-917): IHTSQEDRSS[Gly907Glu]STTELHCVTD

ClinVar aggregate classification (germline): Uncertain significance. Review status: criteria provided, multiple submitters, no conflicts (2 of 4 stars). 3 submissions from 3 submitters: Uncertain significance (3). Last evaluated 2024-09-08.

Conditions:
Familial adenomatous polyposis 1 (FAP1). Also called: FAMILIAL ADENOMATOUS POLYPOSIS 1, ATTENUATED; POLYPOSIS, ADENOMATOUS INTESTINAL. Identifiers: MedGen C2713442, MONDO:0021056, OMIM 175100. Disease mechanism: loss of function.
Hereditary cancer-predisposing syndrome. Also called: Tumor predisposition; Hereditary Cancer Syndrome; Neoplastic Syndromes, Hereditary; Hereditary neoplastic syndrome. Identifiers: Orphanet 140162, MedGen C0027672, MeSH D009386, MONDO:0015356.

gnomAD v4.1: 4 of 1,614,126 alleles (0.00025%); highest among the groups gnomAD compares: East Asian, 0.0089%; no homozygotes.

Submissions (3):

Color Diagnostics, LLC DBA Color Health
Classification: Uncertain significance for Hereditary cancer-predisposing syndrome. Last evaluated: 2024-09-08. Review status: criteria provided, single submitter. Criteria: ACMG Guidelines, 2015. Collection method: clinical testing. Allele origin: germline.
Comment: This missense variant replaces glycine with glutamic acid at codon 907 of the APC protein. Computational prediction suggests that this variant may not impact protein structure and function (internally defined REVEL score threshold <= 0.5, PMID: 27666373). To our knowledge, functional studies have not been reported for this variant. This variant has not been reported in individuals affected with APC-related disorders in the literature. This variant has not been identified in the general population by the Genome Aggregation Database (gnomAD). The available evidence is insufficient to determine the role of this variant in disease conclusively. Therefore, this variant is classified as a Variant of Uncertain Significance.

Labcorp Genetics (formerly Invitae), Labcorp
Classification: Uncertain significance for Familial adenomatous polyposis 1. Last evaluated: 2024-05-29. Review status: criteria provided, single submitter. Criteria: Invitae Variant Classification Sherloc (09022015). Collection method: clinical testing. Allele origin: germline.
Comment: This sequence change replaces glycine, which is neutral and non-polar, with glutamic acid, which is acidic and polar, at codon 907 of the APC protein (p.Gly907Glu). This variant is not present in population databases (gnomAD no frequency). This variant has not been reported in the literature in individuals affected with APC-related conditions. ClinVar contains an entry for this variant (Variation ID: 821713). Advanced modeling of protein sequence and biophysical properties (such as structural, functional, and spatial information, amino acid conservation, physicochemical variation, residue mobility, and thermodynamic stability) performed at Invitae indicates that this missense variant is not expected to disrupt APC protein function with a negative predictive value of 95%. In summary, the available evidence is currently insufficient to determine the role of this variant in disease. Therefore, it has been classified as a Variant of Uncertain Significance.

Ambry Genetics
Classification: Uncertain significance for Hereditary cancer-predisposing syndrome. Last evaluated: 2024-05-14. Review status: criteria provided, single submitter. Criteria: Ambry Variant Classification Scheme 2023. Collection method: clinical testing. Allele origin: germline.
Comment: The p.G907E variant (also known as c.2720G>A), located in coding exon 15 of the APC gene, results from a G to A substitution at nucleotide position 2720. The glycine at codon 907 is replaced by glutamic acid, an amino acid with similar properties. This amino acid position is not well conserved in available vertebrate species. In addition, in silico predictors for this gene do not accurately predict pathogenicity. Since supporting evidence is limited at this time, the clinical significance of this alteration remains unclear.